The following is an entry in ClinVar:

NM_001436401.1(NOBOX):c.1475C>T (p.Pro492Leu)

Gene: NOBOX (NOBOX oogenesis homeobox; minus strand). Cytogenetic location: 7q35.
Variant type: single nucleotide variant.
Coding change: c.1475C>T on transcript NM_001436401.1 (MANE Select); coding-DNA position 1475, C replaced by T.
Protein change: p.Pro492Leu; replaces proline 492 with leucine.
Molecular consequence: missense variant.
Genome position (GRCh38, 1-based): chr7:144,397,490, G>A on the plus strand (C>T on the coding strand, the complement: NOBOX is on the minus strand). VCF-style: chr7-144397490-G-A. GRCh37 (hg19) VCF-style: chr7-144094583-G-A.
Other names: NM_001080413.3:c.1826C>T; c.923C>T, p.Pro308Leu (NM_001436402.1); short protein forms P308L, P492L.
Identifiers: ClinVar variation 791163 (VCV000791163.13), dbSNP rs115882574, ClinGen allele CA4544501.

ClinVar aggregate classification (germline): Conflicting classifications of pathogenicity. Review status: criteria provided, conflicting classifications (1 of 4 stars). 5 submissions from 5 submitters: Uncertain significance (2); Benign (1); Likely benign (2). Last evaluated 2025-11-20.

Conditions:
Premature ovarian failure 5 (POF5). Identifiers: MedGen C1969060, MONDO:0012689, OMIM 611548.
Inborn genetic diseases. Identifiers: MedGen C0950123, MeSH D030342.

Allele frequency attached by ClinVar (database versions not stated): ESP Exome Variant Server 0.00153; 1000 Genomes Project 0.00200; 1000 Genomes Project 30x 0.00250; gnomAD 0.00141; TOPMed 0.00145; ExAC 0.00187.
gnomAD v4.1: 790 of 1,536,732 alleles (0.051%); highest among the groups gnomAD compares: African/African-American, 0.4%; 5 homozygotes.

Submissions (5):

GeneDx
Classification: Uncertain significance. Last evaluated: 2025-11-20. Review status: criteria provided, single submitter. Criteria: GeneDx Variant Classification Process June 2021. Collection method: clinical testing. Allele origin: germline.
Comment: In silico analysis supports that this missense variant has a deleterious effect on protein structure/function; This variant is associated with the following publications: (PMID: Knarston2018[Thesis])

Ambry Genetics
Classification: Uncertain significance for Inborn genetic diseases. Last evaluated: 2024-04-09. Review status: criteria provided, single submitter. Criteria: Ambry Variant Classification Scheme 2023. Collection method: clinical testing. Allele origin: germline.

Illumina Laboratory Services, Illumina
Classification: Likely benign for Premature ovarian failure 5. Last evaluated: 2018-01-13. Review status: criteria provided, single submitter. Criteria: ICSL Variant Classification Criteria 13 December 2019. Collection method: clinical testing. Allele origin: germline.
Comment: This variant was observed in the ICSL laboratory as part of a predisposition screen in an ostensibly healthy population. It had not been previously curated by ICSL or reported in the Human Gene Mutation Database (HGMD: prior to June 1st, 2018), and was therefore a candidate for classification through an automated scoring system. Utilizing variant allele frequency, disease prevalence and penetrance estimates, and inheritance mode, an automated score was calculated to assess if this variant is too frequent to cause the disease. Based on the score and internal cut-off values, a variant classified as likely benign is not then subjected to further curation. The score for this variant resulted in a classification of likely benign for this disease.

Labcorp Genetics (formerly Invitae), Labcorp
Classification: Benign. Last evaluated: 2017-10-24. Review status: criteria provided, single submitter. Criteria: Invitae Variant Classification Sherloc (09022015). Collection method: clinical testing. Allele origin: germline.

Breakthrough Genomics
Classification: Likely benign. Review status: criteria provided, single submitter. Criteria: ACMG Guidelines, 2015. Collection method: not provided. Allele origin: germline. Inheritance: Autosomal dominant inheritance. Affected: yes.